The following is an entry in ClinVar:

NM_016038.4(SBDS):c.58A>G (p.Met20Val)

Gene: SBDS (SBDS ribosome maturation factor; minus strand). Cytogenetic location: 7q11.21.
Variant type: single nucleotide variant.
Coding change: c.58A>G on transcript NM_016038.4 (MANE Select); coding-DNA position 58, A replaced by G.
Protein change: p.Met20Val; replaces methionine 20 with valine.
Molecular consequence: missense variant.
Genome position (GRCh38, 1-based): chr7:66,995,360, T>C on the plus strand (A>G on the coding strand, the complement: SBDS is on the minus strand). VCF-style: chr7-66995360-T-C. GRCh37 (hg19) VCF-style: chr7-66460347-T-C.
Other names: short protein forms M20V.
Identifiers: ClinVar variation 3950346 (VCV003950346.1).
Genomic context (GRCh38, chr7:66,995,360, plus strand): 5'-GCCAGCCGACGACCTTGTTTTTGTAGCAGGCGATTTCGAAGCGCTTCCCGGCACGCTTCA[T>C]CCGTACCACGGCCACATTGGTTAGGCGGATCTGGTTGGTGGGGGTGAAGATCGACATCGC-3'
Protein context (NP_057122.2, residues 10-30): IRLTNVAVVR[Met20Val]KRAGKRFEIA

ClinVar aggregate classification (germline): Uncertain significance (1 of 4 stars; one submission).

Conditions:
Inborn genetic diseases. Identifiers: MedGen C0950123, MeSH D030342.

Submission:

Ambry Genetics
Classification: Uncertain significance for Inborn genetic diseases. Last evaluated: 2025-06-14. Review status: criteria provided, single submitter. Criteria: Ambry Variant Classification Scheme 2023. Collection method: clinical testing. Allele origin: germline.
Comment: The p.M20V variant (also known as c.58A>G), located in coding exon 1 of the SBDS gene, results from an A to G substitution at nucleotide position 58. The methionine at codon 20 is replaced by valine, an amino acid with highly similar properties. This amino acid position is conserved. In addition, the in silico prediction for this alteration is inconclusive. Based on the available evidence, the clinical significance of this variant remains unclear.